The following is an entry in ClinVar:

ClinVar aggregate classification (germline): Likely benign (0 of 4 stars; one submission).

Conditions:
SP8-related disorder. Also called: SP8-related condition.

Allele frequency attached by ClinVar (database versions not stated): gnomAD exomes 0.00004.

Submission:

PreventionGenetics, part of Exact Sciences
Classification: Likely benign for SP8-related condition. Last evaluated: 2020-10-15. Review status: no assertion criteria provided. Collection method: clinical testing. Allele origin: germline.
Comment: This variant is classified as likely benign based on ACMG/AMP sequence variant interpretation guidelines (Richards et al. 2015 PMID: 25741868, with internal and published modifications).

NM_182700.6(SP8):c.288T>C (p.Ala96=)

Gene: SP8 (Sp8 transcription factor; minus strand). Cytogenetic location: 7p21.1.
Variant type: single nucleotide variant.
Coding change: c.288T>C on transcript NM_182700.6 (MANE Select); coding-DNA position 288, T replaced by C.
Protein change: p.Ala96=; no amino-acid change (alanine 96 retained).
Molecular consequence: synonymous variant.
Genome position (GRCh38, 1-based): chr7:20,785,529, A>G on the plus strand (T>C on the coding strand, the complement: SP8 is on the minus strand). VCF-style: chr7-20785529-A-G. GRCh37 (hg19) VCF-style: chr7-20825148-A-G.
Other names: c.234T>C, p.Ala78= (NM_198956.4).
Identifiers: ClinVar variation 3041945 (VCV003041945.2), dbSNP rs9769412, ClinGen allele CA155011479.